The following is an entry in ClinVar:

NM_004329.3(BMPR1A):c.1131_1132delinsACCTGGAG (p.Cys377_Ile378delinsTer)

Gene: BMPR1A (bone morphogenetic protein receptor type 1A; plus strand). Cytogenetic location: 10q23.2.
Variant type: Indel.
Coding change: c.1131_1132delinsACCTGGAG on transcript NM_004329.3 (MANE Select); coding-DNA positions 1131 to 1132, CA replaced by ACCTGGAG.
Protein change: p.Cys377_Ile378delinsTer.
Molecular consequence: nonsense. On other transcripts: inframe indel (31).
Genome position (GRCh38, 1-based): chr10:86,919,434-86,919,435, CA replaced by ACCTGGAG. VCF-style: chr10-86919434-CA-ACCTGGAG. GRCh37 (hg19) VCF-style: chr10-88679191-CA-ACCTGGAG.
Other names: c.1206_1207delCAinsACCTGGAG, p.Cys402_Ile557del (NM_001406559.1); c.1179_1180delCAinsACCTGGAG, p.Cys393_Ile548del (NM_001406560.1); c.1131_1132delCAinsACCTGGAG, p.Cys377_Ile532del (NM_001406561.1, NM_001406562.1, NM_001406563.1 and 19 more transcripts); c.1125_1126delCAinsACCTGGAG, p.Cys375_Ile530del (NM_001406583.1); c.1047_1048delCAinsACCTGGAG, p.Cys349_Ile504del (NM_001406584.1, NM_001406585.1, NM_001406586.1 and 2 more transcripts); c.789_790delCAinsACCTGGAG, p.Cys263_Ile418del (NM_001406589.1).
Identifiers: ClinVar variation 1728301 (VCV001728301.2), dbSNP rs2539623339, ClinGen allele CA2580082119.

ClinVar aggregate classification (germline): Pathogenic (1 of 4 stars; one submission).

Conditions:
Hereditary cancer-predisposing syndrome. Also called: Tumor predisposition; Neoplastic Syndromes, Hereditary; Hereditary Cancer Syndrome; Hereditary neoplastic syndrome. Identifiers: Orphanet 140162, MedGen C0027672, MeSH D009386, MONDO:0015356.

Submission:

Ambry Genetics
Classification: Pathogenic for Hereditary cancer-predisposing syndrome. Last evaluated: 2021-07-15. Review status: criteria provided, single submitter. Criteria: Ambry Variant Classification Scheme 2023. Collection method: clinical testing. Allele origin: germline.
Comment: The c.1131_1132delCAinsACCTGGAG pathogenic mutation (also known as p.C377*), located in coding exon 8 of the BMPR1A gene, results from an in-frame deletion of CA and insertion of ACCTGGAG at nucleotide positions 1131 to 1132. This results in an immediate stop codon at amino acid 377. This variant is considered to be rare based on population cohorts in the Genome Aggregation Database (gnomAD). This alteration is expected to result in loss of function by premature protein truncation or nonsense-mediated mRNA decay. As such, this alteration is interpreted as a disease-causing mutation.